The following is an entry in ClinVar:

NM_007294.4(BRCA1):c.1906T>G (p.Cys636Gly)

Gene: BRCA1 (BRCA1 DNA repair associated; minus strand). Cytogenetic location: 17q21.31.
Variant type: single nucleotide variant.
Coding change: c.1906T>G on transcript NM_007294.4 (MANE Select); coding-DNA position 1906, T replaced by G.
Protein change: p.Cys636Gly; replaces cysteine 636 with glycine.
Molecular consequence: missense variant. On other transcripts: intron variant (137).
Genome position (GRCh38, 1-based): chr17:43,093,625, A>C on the plus strand (T>G on the coding strand, the complement: BRCA1 is on the minus strand). VCF-style: chr17-43093625-A-C. GRCh37 (hg19) VCF-style: chr17-41245642-A-C.
Other names: c.1642T>G, p.Cys548Gly (NM_001407921.1, NM_001407922.1, NM_001407928.1 and 9 more transcripts); c.1639T>G, p.Cys547Gly (NM_001407930.1, NM_001407931.1, NM_001407932.1 and 2 more transcripts); c.1783T>G, p.Cys595Gly (NM_001407665.1, NM_001407666.1, NM_001407667.1 and 19 more transcripts); c.1780T>G, p.Cys594Gly (NM_001407670.1, NM_001407671.1, NM_001407672.1 and 11 more transcripts); c.1906T>G, p.Cys636Gly (NM_001407684.1, NM_001407854.1, NM_001407858.1 and 30 more transcripts); c.1765T>G, p.Cys589Gly (NM_001407692.1, NM_001407694.1, NM_001407695.1 and 29 more transcripts); c.1762T>G, p.Cys588Gly (NM_001407740.1, NM_001407741.1, NM_001407742.1 and 20 more transcripts); c.1693T>G, p.Cys565Gly (NM_001407853.1, NM_001407894.1, NM_001407895.1 and 9 more transcripts); and 40 more; short protein forms C589G, C636G, C340G, C547G, C548G, C594G, C609G, C610G.
Identifiers: ClinVar variation 820284 (VCV000820284.14), dbSNP rs1334848140, ClinGen allele CA10598211.
Genomic context (GRCh38, chr17:43,093,625, plus strand): 5'-TGTACTTTTTTTTCTTTATCTCTTCACTGCTAGAACAACTATCAATTTGCAATTCAGTAC[A>C]ATTAGGTGGGCTTAGATTTCTACTGACTACTAGTTCAAGCGCATGAATATGCCTGGTAGA-3'
Protein context (NP_009225.1, residues 626-646): VVSRNLSPPN[Cys636Gly]TELQIDSCSS

ClinVar aggregate classification (germline): Conflicting classifications of pathogenicity. Review status: criteria provided, conflicting classifications (1 of 4 stars). 3 submissions from 3 submitters: Uncertain significance (2); Likely benign (1). Last evaluated 2024-04-16.

Conditions:
Hereditary cancer-predisposing syndrome. Also called: Neoplastic Syndromes, Hereditary; Tumor predisposition; Hereditary Cancer Syndrome; Hereditary neoplastic syndrome. Identifiers: Orphanet 140162, MedGen C0027672, MeSH D009386, MONDO:0015356.
Hereditary breast ovarian cancer syndrome. Also called: Hereditary breast and/or ovarian cancer syndrome; BRCA1- and BRCA2-Associated Hereditary Breast and Ovarian Cancer; Hereditary breast and ovarian cancer syndrome; Hereditary breast and ovarian cancer; Hereditary breast and ovarian cancer syndrome (HBOC); Breast and ovarian cancer. Identifiers: Orphanet 145, MedGen C0677776, MeSH D061325, MONDO:0003582. Disease mechanism: loss of function.

Allele frequency attached by ClinVar (database versions not stated): TOPMed below 0.00001; gnomAD 0.00001.
gnomAD v4.1: 1 of 1,613,898 alleles (0.000062%); highest among the groups gnomAD compares: African/African-American, 0.0013%; no homozygotes.

Submissions (3):

Ambry Genetics
Classification: Uncertain significance for Hereditary cancer-predisposing syndrome. Last evaluated: 2024-04-16. Review status: criteria provided, single submitter. Criteria: Ambry Variant Classification Scheme 2023. Collection method: clinical testing. Allele origin: germline.
Comment: The p.C636G variant (also known as c.1906T>G), located in coding exon 9 of the BRCA1 gene, results from a T to G substitution at nucleotide position 1906. The cysteine at codon 636 is replaced by glycine, an amino acid with highly dissimilar properties. This amino acid position is poorly conserved in available vertebrate species. In addition, the in silico prediction for this alteration is inconclusive. Since supporting evidence is limited at this time, the clinical significance of this alteration remains unclear.

University of Washington Department of Laboratory Medicine, University of Washington
Classification: Likely benign for Hereditary cancer-predisposing syndrome. Last evaluated: 2023-03-23. Review status: criteria provided, single submitter. Criteria: Dines et al. (Genet Med. 2020). Collection method: curation. Allele origin: germline.
Comment: Missense variant in a coldspot region where missense variants are very unlikely to be pathogenic (PMID:31911673).

BRCA1 coldspot (exon 11 using historical exon numbering). Reclassification based on statistical prior probability

Labcorp Genetics (formerly Invitae), Labcorp
Classification: Uncertain significance for Hereditary breast ovarian cancer syndrome. Last evaluated: 2022-03-04. Review status: criteria provided, single submitter. Criteria: Invitae Variant Classification Sherloc (09022015). Collection method: clinical testing. Allele origin: germline.
Comment: In summary, the available evidence is currently insufficient to determine the role of this variant in disease. Therefore, it has been classified as a Variant of Uncertain Significance. This variant has not been reported in the literature in individuals affected with BRCA1-related conditions. Advanced modeling of protein sequence and biophysical properties (such as structural, functional, and spatial information, amino acid conservation, physicochemical variation, residue mobility, and thermodynamic stability) performed at Invitae indicates that this missense variant is not expected to disrupt BRCA1 protein function. ClinVar contains an entry for this variant (Variation ID: 820284). This variant is not present in population databases (gnomAD no frequency). This sequence change replaces cysteine, which is neutral and slightly polar, with glycine, which is neutral and non-polar, at codon 636 of the BRCA1 protein (p.Cys636Gly).